The following is an entry in ClinVar:

ClinVar aggregate classification (germline): Pathogenic (1 of 4 stars; one submission).

Conditions:
Migraine, familial hemiplegic, 3. Identifiers: Orphanet 569, MedGen C1864987, MONDO:0012320, OMIM 609634.
Severe myoclonic epilepsy in infancy (DRVT). Also called: Severe Myoclonic Epilepsy in Infancy (SMEI); SEVERE MYOCLONIC EPILEPSY OF INFANCY; DEVELOPMENTAL AND EPILEPTIC ENCEPHALOPATHY 6A; Dravet syndrome; Epileptic encephalopathy, early infantile, 6 (Dravet syndrome). Identifiers: Orphanet 33069, MedGen C0751122, MONDO:0100135, OMIM 607208.
Generalized epilepsy with febrile seizures plus, type 2 (GEFSP2). Also called: GEFS+, TYPE 2. Identifiers: Orphanet 36387, MedGen C1858673, MONDO:0011461, OMIM 604403.
Developmental and epileptic encephalopathy 6B. Also called: Developmental and epileptic encephalopathy 6B, non-Dravet. Identifiers: MedGen C5543353, MONDO:0030268, OMIM 619317.

Submission:

Juno Genomics, Hangzhou Juno Genomics, Inc
Classification: Pathogenic for Developmental and epileptic encephalopathy 6B; Severe myoclonic epilepsy in infancy; Generalized epilepsy with febrile seizures plus, type 2; Migraine, familial hemiplegic, 3. Review status: criteria provided, single submitter. Criteria: ACMG Guidelines, 2015. Collection method: clinical testing. Allele origin: germline. Affected: yes.
Comment: Null variant in a gene where loss of function (LOF) is a known mechanism of disease.;Absent from controls (or at extremely low frequency if recessive) in Genome Aggregation Database, Exome Sequencing Project, 1000 Genomes Project, or Exome Aggregation Consortium.;De novo (both maternity and paternity confirmed) in a patient with the disease and no family history.

NM_001165963.4(SCN1A):c.1134_1140del (p.Met379fs)

Gene: SCN1A (sodium voltage-gated channel alpha subunit 1; minus strand). Cytogenetic location: 2q24.3.
Variant type: Deletion.
Coding change: c.1134_1140del on transcript NM_001165963.4 (MANE Select); coding-DNA positions 1134 to 1140, 7 bases deleted (AATGACT; older notation c.1134_1140delAATGACT).
Protein change: p.Met379fs; shifts the reading frame from methionine 379.
Molecular consequence: frameshift variant. On other transcripts: 5 prime UTR variant (1), non-coding transcript variant (1).
Genome position (GRCh38, 1-based): chr2:166,047,657-166,047,663, AGTCATT deleted on the plus strand (AATGACT on the coding strand, the reverse complement: SCN1A is on the minus strand); deleting any 7 consecutive bases within chr2:166,047,657-166,047,667 gives the same sequence; the c. name uses the placement nearest the transcript's 3' end. VCF-style (leftmost placement, unchanged base first): chr2-166047656-GAGTCATT-G. GRCh37 (hg19) VCF-style: chr2-166904166-GAGTCATT-G.
Other names: c.1134_1140del, p.Met379fs (NM_001165964.3, NM_001202435.3, NM_001353948.2 and 10 more transcripts); c.-1292_-1286del (NM_001353961.2); short protein forms M379fs.
Identifiers: ClinVar variation 3382728 (VCV003382728.2).